The following is an entry in ClinVar:

ClinVar aggregate classification (germline): Likely benign. Review status: reviewed by expert panel (3 of 4 stars). 16 submissions from 13 submitters: Likely benign (1). 15 of the submissions do not count toward it. Last evaluated 2025-11-11.

Conditions:
MYH7-related disorder. Also called: MYH7-related disorders; MYH7-related condition; MYH7-related disease.
Myosin storage myopathy (CMYO7A). Also called: MYOPATHY WITH LYSIS OF TYPE I MYOFIBRILS; MYOPATHY, HYALINE BODY, AUTOSOMAL DOMINANT; MYH7-related late-onset scapuloperoneal muscular dystrophy; Congenital myopathy 7A, myosin storage, autosomal dominant; SCAPULOPERONEAL MUSCULAR DYSTROPHY; SCAPULOPERONEAL SYNDROME, MYOPATHIC TYPE. Identifiers: Orphanet 437572, Orphanet 636965, MedGen C1842160, MONDO:0008409, OMIM 608358.
Cardiovascular phenotype. Identifiers: MedGen CN230736.
Cardiomyopathy (CMYO). Also called: Cardiomyopathies. Identifiers: Orphanet 167848, MedGen C0878544, MONDO:0004994, HP:0001638. Inheritance: Various modes of inheritance.
Hypertrophic cardiomyopathy 1 (CMH1). Also called: MYH7-Related Familial Hypertrophic Cardiomyopathy; Familial hypertrophic cardiomyopathy 1. Identifiers: MedGen C3495498, MONDO:0008647, OMIM 192600.
MYH7-related skeletal myopathy. Also called: Myopathy, distal, 1; Laing distal myopathy; Laing early-onset distal myopathy; MYOPATHY, DISTAL, EARLY-ONSET, AUTOSOMAL DOMINANT; MYOPATHY, LATE DISTAL HEREDITARY. Identifiers: Orphanet 59135, MedGen C4552004, MONDO:0008050, OMIM 160500.
Dilated cardiomyopathy 1S (CMD1S). Identifiers: Orphanet 154, Orphanet 54260, MedGen C1834481, MONDO:0013262, OMIM 613426.
Hypertrophic cardiomyopathy. Also called: HYPERTROPHIC MYOCARDIOPATHY. Identifiers: Orphanet 217569, MedGen C0007194, MeSH D002312, MONDO:0005045, HP:0001639.

Allele frequency attached by ClinVar (database versions not stated): gnomAD 0.00002 and 0.00003; TOPMed 0.00006; 1000 Genomes Project 0.00040; 1000 Genomes Project 30x 0.00047.
gnomAD v4.1: 57 of 1,614,266 alleles (0.0035%); highest among the groups gnomAD compares: East Asian, 0.12%; no homozygotes.

Submissions 1 to 9 of 16:

ClinGen Cardiomyopathy Variant Curation Expert Panel
Classification: Likely benign for Hypertrophic cardiomyopathy. Last evaluated: 2025-11-11. Review status: reviewed by expert panel. Criteria: ClinGen CMP ACMG Specifications v1. Collection method: curation. Allele origin: germline. Inheritance: Autosomal dominant inheritance.
Comment: The c.5704G>C (p.Glu1902Gln) variant in MYH7 has been identified in 0.096% (FAF 95% CI; 27/19954) of East Asian chromosomes in gnomAD v2.1.1, which is a high enough frequency to be classified as likely benign based on thresholds defined by the ClinGen Inherited Cardiomyopathy Expert Panel (BS1; Kelly 2018 PMID:29300372). Allowing a variant to reach a likely benign classification based on BS1 alone represents a revision of the original ACMG/AMP framework by ClinGen’s Sequence Variant Interpretation Working Group (Tavtigian 2018 PMID: 29300386). In summary, this variant meets criteria to be classified as likely benign for cardiomyopathy in an autosomal dominant manner. MYH7-specific ACMG/AMP criteria applied (Kelly 2018 PMID:29300372): BS1

Labcorp Genetics (formerly Invitae), Labcorp
Classification: Likely benign for Hypertrophic cardiomyopathy. Last evaluated: 2025-12-20. Review status: criteria provided, single submitter. Criteria: Invitae Variant Classification Sherloc (09022015). Collection method: clinical testing. Allele origin: germline. Not counted in ClinVar's aggregate classification.

Ambry Genetics
Classification: Uncertain significance for Cardiovascular phenotype. Last evaluated: 2024-10-28. Review status: criteria provided, single submitter. Criteria: Ambry Variant Classification Scheme 2023. Collection method: clinical testing. Allele origin: germline. Not counted in ClinVar's aggregate classification.
Comment: The p.E1902Q variant (also known as c.5704G>C), located in coding exon 37 of the MYH7 gene, results from a G to C substitution at nucleotide position 5704. The glutamic acid at codon 1902 is replaced by glutamine, an amino acid with highly similar properties. This variant has been reported in an individual with hypertrophic cardiomyopathy (HCM), an atrioventricular block case with left ventricular hypertrophy, and in HCM genetic testing cohorts; however, in some cases clinical details were limited and/or additional cardiac variants were detected (Chiou KR et al. J Cardiol, 2015 Mar;65:250-6; Walsh R et al. Genet. Med., 2017 02;19:192-203; Liu N et al. Sci Rep, 2017 09;7:10676). This amino acid position is highly conserved in available vertebrate species. In addition, the in silico prediction for this alteration is inconclusive. Since supporting evidence is limited at this time, the clinical significance of this alteration remains unclear.

Blueprint Genetics
Classification: Likely benign. Last evaluated: 2024-10-07. Review status: criteria provided, single submitter. Criteria: ACMG Guidelines, 2015. Collection method: clinical testing. Allele origin: germline. Not counted in ClinVar's aggregate classification.

Victorian Clinical Genetics Services, Murdoch Childrens Research Institute
Classification: Likely benign for Hypertrophic cardiomyopathy 1. Last evaluated: 2022-02-02. Review status: criteria provided, single submitter. Criteria: ACMG Guidelines, 2015. Collection method: clinical testing. Allele origin: germline. Inheritance: Autosomal dominant inheritance. Not counted in ClinVar's aggregate classification.
Comment: Based on the classification scheme VCGS_Germline_v1.3.4, this variant is classified as Likely benign. Following criteria are met: 0105 - The mechanism of disease for this gene is not clearly established, however, missense variants have been proposed to act in a dominant negative manner (PMID: 24714796). (I) 0108 - This gene is associated with both recessive and dominant disease. Pathogenic variants in this gene are usually heterozygous, however a recessive inheritance pattern has been observed in severe cases (OMIM). (I) 0112 - The condition associated with this gene has incomplete penetrance (PMID: 29300372). (I) 0200 - Variant is predicted to result in a missense amino acid change from glutamic acid to glutamine. (I) 0251 - This variant is heterozygous. (I) 0310 - Variant is present in gnomAD (v2) >=0.001 and <0.01 for a dominant condition (28 heterozygotes, 0 homozygotes). (I) 0309 - An alternative amino acid change at the same position has been observed in gnomAD (v2) (2 heterozygotes, 0 homozygotes). (I) 0502 - Missense variant with conflicting in silico predictions and uninformative conservation. (I) 0600 - Variant is located in the annotated myosin tail domain (PDB). (I) 0708 - Another missense variant comparable to the one identified in this case has conflicting previous evidence for pathogenicity. This alternative change to lysine at the same residue has previously been described as pathogenic, a VUS and likely benign (ClinVar, HGMD, PMID: 20474083, PMID: 29875424). (I) 0806 - This variant has moderate previous evidence of being benign in unrelated individuals. This variant has been classified as a VUS and likely benign in patients with varying cardiac phenotypes. However, more recently it has been classified as likely benign by an expert panel (ClinVar, LOVD, PMID: 25086479, PMID: 23403236, PMID: 27532257, PMID: 31783775). (SB) 1007 - No published functional evidence has been identified for this variant. (I) 1208 - Inheritance information for this variant is not currently available in this individual. (I) Legend: (SP) - Supporting pathogenic, (I) - Information, (SB) - Supporting benign

Color Diagnostics, LLC DBA Color Health
Classification: Likely benign for Cardiomyopathy. Last evaluated: 2021-03-03. Review status: criteria provided, single submitter. Criteria: ACMG Guidelines, 2015. Collection method: clinical testing. Allele origin: germline. Not counted in ClinVar's aggregate classification.

Agnes Ginges Centre for Molecular Cardiology, Centenary Institute
Classification: Likely benign for Hypertrophic cardiomyopathy 1. Last evaluated: 2018-02-07. Review status: criteria provided, single submitter. Criteria: ACMG Guidelines, 2015. Collection method: research. Allele origin: germline. Inheritance: Autosomal dominant inheritance. Affected: yes. Not counted in ClinVar's aggregate classification.
Comment: MYH7 Glu1902Gln has been previously identified in HCM patients (Walsh R, et al., 2017; Chiou KR, et al., 2015), as well as a patient with heart failure and atrioventricular block (Liu N, et al., 2017). The variant is present in the Exome Aggregation Consortium dataset (MAF= 0.00007) as well as the Genome Aggregation Database (MAF=0.000087), and is particularly common in East Asian populations (AF= 0.0001). In silico tools MutationTaster and PolyPhen-2 predict this variant to be deleterious, however SIFT predicts this variant to be "Tolerated". In summary, although the variant has been identified in HCM cases these are likely to be incidental findings as the variant is present at a higher than expected frequency in the general population, furthermore in silico predictions are conflicting, therefore we classify MYH7 Glu1902Gln as 'likely benign'

Illumina Laboratory Services, Illumina
Classification: Likely benign for Hypertrophic cardiomyopathy 1. Last evaluated: 2017-04-28. Review status: criteria provided, single submitter. Criteria: ICSL Variant Classification Criteria 13 December 2019. Collection method: clinical testing. Allele origin: germline. Not counted in ClinVar's aggregate classification.
Comment: This variant was observed as part of a predisposition screen in an ostensibly healthy population. A literature search was performed for the gene, cDNA change, and amino acid change (where applicable). Publications were found based on this search. The evidence from the literature, in combination with allele frequency data from public databases where available, was sufficient to determine this variant is unlikely to cause disease. Therefore, this variant is classified as likely benign.

Illumina Laboratory Services, Illumina
Classification: Likely benign for Dilated cardiomyopathy 1S. Last evaluated: 2017-04-28. Review status: criteria provided, single submitter. Criteria: ICSL Variant Classification Criteria 13 December 2019. Collection method: clinical testing. Allele origin: germline. Not counted in ClinVar's aggregate classification.
Comment: This variant was observed as part of a predisposition screen in an ostensibly healthy population. A literature search was performed for the gene, cDNA change, and amino acid change (where applicable). No publications were found based on this search. Allele frequency data from public databases allowed determination this variant is unlikely to cause disease. Therefore, this variant is classified as likely benign.

NM_000257.4(MYH7):c.5704G>C (p.Glu1902Gln)

Gene: MYH7 (myosin heavy chain 7; minus strand). Cytogenetic location: 14q11.2.
Variant type: single nucleotide variant.
Coding change: c.5704G>C on transcript NM_000257.4 (MANE Select); coding-DNA position 5704, G replaced by C.
Protein change: p.Glu1902Gln; replaces glutamic acid 1902 with glutamine.
Molecular consequence: missense variant.
Genome position (GRCh38, 1-based): chr14:23,413,845, C>G on the plus strand (G>C on the coding strand, the complement: MYH7 is on the minus strand). VCF-style: chr14-23413845-C-G. GRCh37 (hg19) VCF-style: chr14-23883054-C-G.
Other names: NM_000257.3(MYH7):c.5704G>C; short protein forms E1902Q.
Identifiers: ClinVar variation 43082 (VCV000043082.42), dbSNP rs187073962, ClinGen allele CA016398.